The following is an entry in ClinVar:

NM_018297.4(NGLY1):c.1956T>A (p.Ser652Arg)

Gene: NGLY1 (N-glycanase 1; minus strand). Cytogenetic location: 3p24.2.
Variant type: single nucleotide variant.
Coding change: c.1956T>A on transcript NM_018297.4 (MANE Select); coding-DNA position 1956, T replaced by A.
Protein change: p.Ser652Arg; replaces serine 652 with arginine.
Molecular consequence: missense variant. On other transcripts: 3 prime UTR variant (1).
Genome position (GRCh38, 1-based): chr3:25,719,469, A>T on the plus strand (T>A on the coding strand, the complement: NGLY1 is on the minus strand). VCF-style: chr3-25719469-A-T. GRCh37 (hg19) VCF-style: chr3-25760960-A-T.
Other names: c.1902T>A, p.Ser634Arg (NM_001145293.2); c.1830T>A, p.Ser610Arg (NM_001145294.2); c.*101T>A (NM_001145295.2); short protein forms S610R, S634R, S652R.
Identifiers: ClinVar variation 1311473 (VCV001311473.3), dbSNP rs2125441242, ClinGen allele CA351893107.

ClinVar aggregate classification (germline): Uncertain significance (1 of 4 stars; one submission).

Allele frequency attached by ClinVar (database versions not stated): gnomAD exomes below 0.00001.

Submission:

GeneDx
Classification: Uncertain significance. Last evaluated: 2023-08-02. Review status: criteria provided, single submitter. Criteria: GeneDx Variant Classification Process June 2021. Collection method: clinical testing. Allele origin: germline. Affected: yes.
Comment: Has not been previously published as pathogenic or benign to our knowledge; Not observed in large population cohorts (gnomAD); In silico analysis, which includes protein predictors and evolutionary conservation, supports that this variant does not alter protein structure/function